The following is an entry in ClinVar:

ClinVar aggregate classification (germline): Uncertain significance (1 of 4 stars; one submission).

Conditions:
Dilated cardiomyopathy 1G (CMD1G). Identifiers: Orphanet 154, MedGen C1858763, MONDO:0011400, OMIM 604145.
Autosomal recessive limb-girdle muscular dystrophy type 2J (LGMDR10). Also called: Limb-girdle muscular dystrophy, type 2J; MUSCULAR DYSTROPHY, LIMB-GIRDLE, AUTOSOMAL RECESSIVE 10. Identifiers: Orphanet 140922, MedGen C1837342, MONDO:0012127, OMIM 608807.

gnomAD v4.1: 1 of 1,613,854 alleles (0.000062%); highest among the groups gnomAD compares: Non-Finnish European, 0.000085%; no homozygotes.

Submission:

Labcorp Genetics (formerly Invitae), Labcorp
Classification: Uncertain significance for Dilated cardiomyopathy 1G; Autosomal recessive limb-girdle muscular dystrophy type 2J. Last evaluated: 2023-02-27. Review status: criteria provided, single submitter. Criteria: Invitae Variant Classification Sherloc (09022015). Collection method: clinical testing. Allele origin: germline.
Comment: This variant is located in the M band of TTN (PMID: 25589632). Variants in this region may be relevant for neuromuscular disorders, but have not been definitively shown to cause cardiomyopathy (PMID: 23975875). This sequence change replaces proline, which is neutral and non-polar, with serine, which is neutral and polar, at codon 34539 of the TTN protein (p.Pro34539Ser). This variant is not present in population databases (gnomAD no frequency). This variant has not been reported in the literature in individuals affected with TTN-related conditions. Experimental studies and prediction algorithms are not available or were not evaluated, and the functional significance of this variant is currently unknown. In summary, the available evidence is currently insufficient to determine the role of this variant in disease. Therefore, it has been classified as a Variant of Uncertain Significance.

Literature cited by the submitters: PubMed 25589632; PubMed 23975875.

NM_001267550.2(TTN):c.103615C>T (p.Pro34539Ser)

Genes: TTN (titin; minus strand), TTN-AS1 (TTN antisense RNA 1; plus strand). Cytogenetic location: 2q31.2.
Variant type: single nucleotide variant.
Coding change: c.103615C>T on transcript NM_001267550.2 (MANE Select); coding-DNA position 103615, C replaced by T.
Protein change: p.Pro34539Ser; replaces proline 34539 with serine.
Molecular consequence: missense variant.
Genome position (GRCh38, 1-based): chr2:178,533,000, G>A on the plus strand (C>T on the coding strand, the complement: TTN is on the minus strand). VCF-style: chr2-178533000-G-A. GRCh37 (hg19) VCF-style: chr2-179397727-G-A.
Other names: c.98692C>T, p.Pro32898Ser (NM_001256850.1); c.76420C>T, p.Pro25474Ser (NM_003319.4); c.95911C>T, p.Pro31971Ser (NM_133378.4); c.76795C>T, p.Pro25599Ser (NM_133432.3); c.76996C>T, p.Pro25666Ser (NM_133437.4); short protein forms P31971S, P32898S, P25599S, P25666S, P25474S, P34539S.
Identifiers: ClinVar variation 2940259 (VCV002940259.3), dbSNP rs1689857236, ClinGen allele CA349413889.
Genomic context (GRCh38, chr2:178,533,000, plus strand): 5'-TGCGTTGGTCTTCTTCTATGGTAGTCTGCTTATACTTGCGTGGCTCTGGTACATCATAAG[G>A]CATCCGGAGTTTTCTCTCCTCCTTCTTTTCTTCTATCTCAAGTCTGAATTCCCCTTTTAC-3'
Protein context (NP_001254479.2, residues 34529-34549): EKKEERKLRM[Pro34539Ser]YDVPEPRKYK